The following is an entry in ClinVar:

ClinVar aggregate classification (germline): Likely benign. Review status: criteria provided, single submitter (1 of 4 stars). 3 submissions from 1 submitter: Likely benign (3). Last evaluated 2018-01-12.

Conditions:
Leprechaunism syndrome. Also called: Donohue syndrome; LEPRECHAUNISM. Identifiers: Orphanet 508, MedGen C0265344, MONDO:0009517, OMIM 246200.
Insulin-resistant diabetes mellitus AND acanthosis nigricans. Also called: Insulin-resistance syndrome type A; INSULIN RECEPTOR, DEFECT IN, WITH INSULIN-RESISTANT DIABETES MELLITUS AND ACANTHOSIS NIGRICANS; IRAN, TYPE A; type A insulin resistance; DIABETES MELLITUS, INSULIN-RESISTANT, WITH ACANTHOSIS NIGRICANS, TYPE A. Identifiers: Orphanet 2297, MedGen C0342278, MONDO:0012520, OMIM 610549.
Rabson-Mendenhall syndrome. Also called: MENDENHALL SYNDROME; Pineal Hyperplasia, Insulin-Resistant Diabetes Mellitus, and Somatic Abnormalities; Pineal hyperplasia AND diabetes mellitus syndrome. Identifiers: Orphanet 769, MedGen C0271695, MONDO:0009874, OMIM 262190.

Allele frequency attached by ClinVar (database versions not stated): gnomAD below 0.00001 and 0.00008; TOPMed 0.00001; 1000 Genomes Project 0.00060; 1000 Genomes Project 30x 0.00062.
gnomAD v4.1: 12 of 152,270 alleles (0.0079%); highest among the groups gnomAD compares: South Asian, 0.25%; 1 homozygote.

Submissions (3):

Illumina Laboratory Services, Illumina
Classification: Likely benign for Rabson-Mendenhall syndrome. Last evaluated: 2018-01-12. Review status: criteria provided, single submitter. Criteria: ICSL Variant Classification Criteria 13 December 2019. Collection method: clinical testing. Allele origin: germline.
Comment: This variant was observed in the ICSL laboratory as part of a predisposition screen in an ostensibly healthy population. It had not been previously curated by ICSL or reported in the Human Gene Mutation Database (HGMD: prior to June 1st, 2018), and was therefore a candidate for classification through an automated scoring system. Utilizing variant allele frequency, disease prevalence and penetrance estimates, and inheritance mode, an automated score was calculated to assess if this variant is too frequent to cause the disease. Based on the score and internal cut-off values, a variant classified as likely benign is not then subjected to further curation. The score for this variant resulted in a classification of likely benign for this disease.

Illumina Laboratory Services, Illumina
Classification: Likely benign for Leprechaunism syndrome. Last evaluated: 2018-01-12. Review status: criteria provided, single submitter. Criteria: ICSL Variant Classification Criteria 13 December 2019. Collection method: clinical testing. Allele origin: germline.
Comment: the same text as in the submission from Illumina Laboratory Services, Illumina above.

Illumina Laboratory Services, Illumina
Classification: Likely benign for Insulin-resistant diabetes mellitus AND acanthosis nigricans. Last evaluated: 2018-01-12. Review status: criteria provided, single submitter. Criteria: ICSL Variant Classification Criteria 13 December 2019. Collection method: clinical testing. Allele origin: germline.
Comment: the same text as in the submission from Illumina Laboratory Services, Illumina above.

NM_000208.4(INSR):c.*3365C>A

Gene: INSR (insulin receptor; minus strand). Cytogenetic location: 19p13.2.
Variant type: single nucleotide variant.
Coding change: c.*3365C>A on transcript NM_000208.4 (MANE Select); 3365 bases downstream of the stop codon, C replaced by A.
Molecular consequence: 3 prime UTR variant.
Genome position (GRCh38, 1-based): chr19:7,113,691, G>T on the plus strand (C>A on the coding strand, the complement: INSR is on the minus strand). VCF-style: chr19-7113691-G-T. GRCh37 (hg19) VCF-style: chr19-7113702-G-T.
Other names: c.*3365C>A (NM_001079817.3).
Identifiers: ClinVar variation 330368 (VCV000330368.5), dbSNP rs561270909, ClinGen allele CA10643374.
Genomic context (GRCh38, chr19:7,113,691, plus strand): 5'-CTAAGCTGGTTTTGTTGCTTTTTGTTGTTGTTGTTGCAACTTAACACTACAAACTCCCAG[G>T]ACAACCGTGTCTTTCTAGGACCAAAGTTTTATTGTTACAAAGTCAACATTTCCTAATGTC-3'